The following is an entry in ClinVar:

ClinVar aggregate classification (germline): Uncertain significance (1 of 4 stars; one submission).

Conditions:
Dilated cardiomyopathy 1O (CMD1O). Also called: CARDIOMYOPATHY, DILATED, WITH VENTRICULAR TACHYCARDIA. Identifiers: Orphanet 154, MedGen C1837839, MONDO:0012062, OMIM 608569.

gnomAD v4.1: 4 of 1,613,664 alleles (0.00025%); highest among the groups gnomAD compares: Non-Finnish European, 0.00034%; no homozygotes.

Submission:

Labcorp Genetics (formerly Invitae), Labcorp
Classification: Uncertain significance for Dilated cardiomyopathy 1O. Last evaluated: 2024-02-02. Review status: criteria provided, single submitter. Criteria: Invitae Variant Classification Sherloc (09022015). Collection method: clinical testing. Allele origin: germline.
Comment: This sequence change replaces histidine, which is basic and polar, with asparagine, which is neutral and polar, at codon 909 of the ABCC9 protein (p.His909Asn). This variant is not present in population databases (gnomAD no frequency). This variant has not been reported in the literature in individuals affected with ABCC9-related conditions. Advanced modeling of protein sequence and biophysical properties (such as structural, functional, and spatial information, amino acid conservation, physicochemical variation, residue mobility, and thermodynamic stability) has been performed at Invitae for this missense variant, however the output from this modeling did not meet the statistical confidence thresholds required to predict the impact of this variant on ABCC9 protein function. In summary, the available evidence is currently insufficient to determine the role of this variant in disease. Therefore, it has been classified as a Variant of Uncertain Significance.

NM_020297.4(ABCC9):c.2725C>A (p.His909Asn)

Gene: ABCC9 (ATP binding cassette subfamily C member 9; minus strand). Cytogenetic location: 12p12.1.
Variant type: single nucleotide variant.
Coding change: c.2725C>A on transcript NM_020297.4 (MANE Select); coding-DNA position 2725, C replaced by A.
Protein change: p.His909Asn; replaces histidine 909 with asparagine.
Molecular consequence: missense variant.
Genome position (GRCh38, 1-based): chr12:21,852,141, G>T on the plus strand (C>A on the coding strand, the complement: ABCC9 is on the minus strand). VCF-style: chr12-21852141-G-T. GRCh37 (hg19) VCF-style: chr12-22005075-G-T.
Other names: c.2725C>A, p.His909Asn (NM_001377273.1, NM_005691.4); c.1858C>A, p.His620Asn (NM_001377274.1); short protein forms H620N, H909N.
Identifiers: ClinVar variation 3696579 (VCV003696579.2).